The following is an entry in ClinVar:

NM_004655.4(AXIN2):c.2520G>A (p.Glu840=)

Gene: AXIN2 (axin 2; minus strand). Cytogenetic location: 17q24.1.
Variant type: single nucleotide variant.
Coding change: c.2520G>A on transcript NM_004655.4 (MANE Select); coding-DNA position 2520, G replaced by A.
Protein change: p.Glu840=; no amino-acid change (glutamic acid 840 retained).
Molecular consequence: synonymous variant.
Genome position (GRCh38, 1-based): chr17:65,529,988, C>T on the plus strand (G>A on the coding strand, the complement: AXIN2 is on the minus strand). VCF-style: chr17-65529988-C-T. GRCh37 (hg19) VCF-style: chr17-63526106-C-T.
Other names: c.2520G>A (NM_004655.3); c.2325G>A, p.Glu775= (NM_001363813.1).
Identifiers: ClinVar variation 1115029 (VCV001115029.11), dbSNP rs2043789662, ClinGen allele CA501475688.

ClinVar aggregate classification (germline): Benign/Likely benign. Review status: criteria provided, multiple submitters, no conflicts (2 of 4 stars). 3 submissions from 3 submitters: Benign (1); Likely benign (2). Last evaluated 2025-08-12.

Conditions:
Hereditary cancer-predisposing syndrome. Also called: Hereditary neoplastic syndrome; Hereditary Cancer Syndrome; Neoplastic Syndromes, Hereditary; Tumor predisposition. Identifiers: Orphanet 140162, MedGen C0027672, MeSH D009386, MONDO:0015356.
Oligodontia-cancer predisposition syndrome. Also called: TOOTH AGENESIS-COLORECTAL CANCER SYNDROME. Identifiers: Orphanet 300576, MedGen C1837750, MONDO:0012075, OMIM 608615. Disease mechanism: loss of function.

Allele frequency attached by ClinVar (database versions not stated): gnomAD exomes below 0.00001.
gnomAD v4.1: 2 of 1,614,210 alleles (0.00012%); highest among the groups gnomAD compares: Non-Finnish European, 0.00017%; no homozygotes.

Submissions (3):

Ambry Genetics
Classification: Likely benign for Hereditary cancer-predisposing syndrome. Last evaluated: 2025-08-12. Review status: criteria provided, single submitter. Criteria: Ambry Variant Classification Scheme 2023. Collection method: clinical testing. Allele origin: germline.

Labcorp Genetics (formerly Invitae), Labcorp
Classification: Likely benign for Oligodontia-cancer predisposition syndrome. Last evaluated: 2025-06-16. Review status: criteria provided, single submitter. Criteria: Invitae Variant Classification Sherloc (09022015). Collection method: clinical testing. Allele origin: germline.

Myriad Genetics, Inc.
Classification: Benign for Oligodontia-cancer predisposition syndrome. Last evaluated: 2024-07-11. Review status: criteria provided, single submitter. Criteria: Myriad Autosomal Dominant, Autosomal Recessive and X-Linked Classification Criteria (2023). Collection method: clinical testing. Allele origin: unknown.
Comment: This variant is considered benign. This variant is a silent/synonymous amino acid change and it is not expected to impact splicing.